The following is an entry in ClinVar:

ClinVar aggregate classification (germline): Uncertain significance (1 of 4 stars; one submission).

Conditions:
Mowat-Wilson syndrome (MOWS). Also called: Classic Mowat-Wilson Syndrome. Identifiers: Orphanet 2152, MedGen C1856113, MONDO:0009341, OMIM 235730.

Allele frequency attached by ClinVar (database versions not stated): gnomAD exomes below 0.00001.
gnomAD v4.1: 2 of 1,613,880 alleles (0.00012%); highest among the groups gnomAD compares: Non-Finnish European, 0.00017%; no homozygotes.

Submission:

Labcorp Genetics (formerly Invitae), Labcorp
Classification: Uncertain significance for Mowat-Wilson syndrome. Last evaluated: 2023-07-07. Review status: criteria provided, single submitter. Criteria: Invitae Variant Classification Sherloc (09022015). Collection method: clinical testing. Allele origin: germline.
Comment: This sequence change replaces asparagine, which is neutral and polar, with histidine, which is basic and polar, at codon 67 of the ZEB2 protein (p.Asn67His). This variant is not present in population databases (gnomAD no frequency). This variant has not been reported in the literature in individuals affected with ZEB2-related conditions. ClinVar contains an entry for this variant (Variation ID: 956159). An algorithm developed to predict the effect of missense changes on protein structure and function (PolyPhen-2) suggests that this variant is likely to be disruptive. In summary, the available evidence is currently insufficient to determine the role of this variant in disease. Therefore, it has been classified as a Variant of Uncertain Significance.

NM_014795.4(ZEB2):c.199A>C (p.Asn67His)

Gene: ZEB2 (zinc finger E-box binding homeobox 2; minus strand). Cytogenetic location: 2q22.3.
Variant type: single nucleotide variant.
Coding change: c.199A>C on transcript NM_014795.4 (MANE Select); coding-DNA position 199, A replaced by C.
Protein change: p.Asn67His; replaces asparagine 67 with histidine.
Molecular consequence: missense variant.
Genome position (GRCh38, 1-based): chr2:144,429,901, T>G on the plus strand (A>C on the coding strand, the complement: ZEB2 is on the minus strand). VCF-style: chr2-144429901-T-G. GRCh37 (hg19) VCF-style: chr2-145187468-T-G.
Other names: c.199A>C, p.Asn67His (NM_001171653.2); short protein forms N67H.
Identifiers: ClinVar variation 956159 (VCV000956159.9), dbSNP rs1703746463, ClinGen allele CA348718852.
Genomic context (GRCh38, chr2:144,429,901, plus strand): 5'-CATCTTCCTCTTCCTCTCTTGGCAACAGAGCTTGGCTCACGTGTGGGGAGGACTCATGGT[T>G]GGGCACACTAGCTGGACTCGTCTCCTGGTCCAGAGGGTTGGCAATACCGTCATCCTCAGC-3'
Protein context (NP_055610.1, residues 57-77): DQETSPASVP[Asn67His]HESSPHVSQA